The following is an entry in ClinVar:

NM_004329.3(BMPR1A):c.90T>C (p.Leu30=)

Gene: BMPR1A (bone morphogenetic protein receptor type 1A; plus strand). Cytogenetic location: 10q23.2.
Variant type: single nucleotide variant.
Coding change: c.90T>C on transcript NM_004329.3 (MANE Select); coding-DNA position 90, T replaced by C.
Protein change: p.Leu30=; no amino-acid change (leucine 30 retained).
Molecular consequence: synonymous variant.
Genome position (GRCh38, 1-based): chr10:86,890,084, T>C. VCF-style: chr10-86890084-T-C. GRCh37 (hg19) VCF-style: chr10-88649841-T-C.
Identifiers: ClinVar variation 1215102 (VCV001215102.7), dbSNP rs1564714758, ClinGen allele CA470304485.

ClinVar aggregate classification (germline): Benign/Likely benign. Review status: criteria provided, multiple submitters, no conflicts (2 of 4 stars). 4 submissions from 4 submitters: Benign (1); Likely benign (3). Last evaluated 2026-01-07.

Conditions:
Juvenile polyposis syndrome (JPS). Identifiers: Orphanet 2929, MedGen C0345893, MONDO:0017380, OMIM 174900.
Hereditary cancer-predisposing syndrome. Also called: Hereditary neoplastic syndrome; Neoplastic Syndromes, Hereditary; Tumor predisposition; Hereditary Cancer Syndrome. Identifiers: Orphanet 140162, MedGen C0027672, MeSH D009386, MONDO:0015356.

Allele frequency attached by ClinVar (database versions not stated): gnomAD exomes below 0.00001.
gnomAD v4.1: 1 of 1,613,340 alleles (0.000062%); highest among the groups gnomAD compares: East Asian, 0.0022%; no homozygotes.

Submissions (4):

Labcorp Genetics (formerly Invitae), Labcorp
Classification: Likely benign for Juvenile polyposis syndrome. Last evaluated: 2026-01-07. Review status: criteria provided, single submitter. Criteria: Invitae Variant Classification Sherloc (09022015). Collection method: clinical testing. Allele origin: germline.

Myriad Genetics, Inc.
Classification: Benign for Juvenile polyposis syndrome. Last evaluated: 2024-07-31. Review status: criteria provided, single submitter. Criteria: Myriad Autosomal Dominant, Autosomal Recessive and X-Linked Classification Criteria (2023). Collection method: clinical testing. Allele origin: unknown.
Comment: This variant is considered benign. This variant is a silent/synonymous amino acid change and it is not expected to impact splicing.

Ambry Genetics
Classification: Likely benign for Hereditary cancer-predisposing syndrome. Last evaluated: 2021-06-15. Review status: criteria provided, single submitter. Criteria: Ambry Variant Classification Scheme 2023. Collection method: clinical testing. Allele origin: germline.

GeneDx
Classification: Likely benign. Last evaluated: 2018-08-15. Review status: criteria provided, single submitter. Criteria: GeneDx Variant Classification Process June 2021. Collection method: clinical testing. Allele origin: germline. Affected: yes.